The following is an entry in ClinVar:

NM_000222.3(KIT):c.1875C>T (p.Leu625=)

Gene: KIT (KIT proto-oncogene, receptor tyrosine kinase; plus strand). Cytogenetic location: 4q12.
Variant type: single nucleotide variant.
Coding change: c.1875C>T on transcript NM_000222.3 (MANE Select); coding-DNA position 1875, C replaced by T.
Protein change: p.Leu625=; no amino-acid change (leucine 625 retained).
Molecular consequence: synonymous variant.
Genome position (GRCh38, 1-based): chr4:54,727,923, C>T. VCF-style: chr4-54727923-C-T. GRCh37 (hg19) VCF-style: chr4-55594089-C-T.
Other names: c.1863C>T, p.Leu621= (NM_001093772.2, NM_001385286.1); c.1878C>T, p.Leu626= (NM_001385284.1, NM_001385290.1); c.1875C>T, p.Leu625= (NM_001385285.1); c.1866C>T, p.Leu622= (NM_001385288.1, NM_001385292.1).
Identifiers: ClinVar variation 1611116 (VCV001611116.11), dbSNP rs2109780324, ClinGen allele CA439291409.

ClinVar aggregate classification (germline): Benign/Likely benign. Review status: criteria provided, multiple submitters, no conflicts (2 of 4 stars). 3 submissions from 3 submitters: Benign (1); Likely benign (2). Last evaluated 2026-06-04.

Conditions:
Gastrointestinal stromal tumor. Also called: Gastrointestinal stromal tumor, somatic; Gastrointestinal stroma tumor. Identifiers: Orphanet 44890, MedGen C0238198, MeSH D046152, MONDO:0011719, OMIM 606764, HP:0100723.
Hereditary cancer-predisposing syndrome. Also called: Neoplastic Syndromes, Hereditary; Tumor predisposition; Hereditary Cancer Syndrome; Hereditary neoplastic syndrome. Identifiers: Orphanet 140162, MedGen C0027672, MeSH D009386, MONDO:0015356.

Submissions (3):

Myriad Genetics, Inc.
Classification: Benign for Gastrointestinal stromal tumor. Last evaluated: 2026-06-04. Review status: criteria provided, single submitter. Criteria: Myriad Autosomal Dominant, Autosomal Recessive and X-Linked Classification Criteria (2023). Collection method: clinical testing. Allele origin: unknown.
Comment: This variant is considered benign. This variant is a silent/synonymous amino acid change and it is not expected to impact splicing.

Labcorp Genetics (formerly Invitae), Labcorp
Classification: Likely benign for Gastrointestinal stromal tumor. Last evaluated: 2024-01-02. Review status: criteria provided, single submitter. Criteria: Invitae Variant Classification Sherloc (09022015). Collection method: clinical testing. Allele origin: germline.

Ambry Genetics
Classification: Likely benign for Hereditary cancer-predisposing syndrome. Last evaluated: 2019-09-25. Review status: criteria provided, single submitter. Criteria: Ambry Variant Classification Scheme 2023. Collection method: clinical testing. Allele origin: germline.